The following is an entry in ClinVar:

NM_002185.5(IL7R):c.364G>C (p.Asp122His)

Gene: IL7R (interleukin 7 receptor; plus strand). Cytogenetic location: 5p13.2.
Variant type: single nucleotide variant.
Coding change: c.364G>C on transcript NM_002185.5 (MANE Select); coding-DNA position 364, G replaced by C.
Protein change: p.Asp122His; replaces aspartic acid 122 with histidine.
Molecular consequence: missense variant. On other transcripts: non-coding transcript variant (1).
Genome position (GRCh38, 1-based): chr5:35,867,448, G>C. VCF-style: chr5-35867448-G-C. GRCh37 (hg19) VCF-style: chr5-35867550-G-C.
Other names: c.364G>C, p.Asp122His (NM_001410734.1); short protein forms D122H.
Identifiers: ClinVar variation 2960020 (VCV002960020.3), dbSNP rs1434346021, ClinGen allele CA359428627.
Genomic context (GRCh38, chr5:35,867,448, plus strand): 5'-ATTGGAAAGAGCAATATATGTGTGAAGGTTGGAGAAAAGAGTCTAACCTGCAAAAAAATA[G>C]ACCTAACCACTATAGGTAAGAAGTTGTATATAAAAGTATGGTTGTCACTTTTGGGCTACC-3'
Protein context (NP_002176.2, residues 112-132): GEKSLTCKKI[Asp122His]LTTIVKPEAP

ClinVar aggregate classification (germline): Uncertain significance (1 of 4 stars; one submission).

Conditions:
Immunodeficiency 104. Also called: Severe combined immunodeficiency, autosomal recessive, T cell-negative, B cell-positive, NK cell-positive; SCID, AUTOSOMAL RECESSIVE, T CELL-NEGATIVE, B CELL-POSITIVE, NK CELL-POSITIVE; IMMUNODEFICIENCY 104, SEVERE COMBINED; Severe Combined Immune Deficiency, Autosomal Recessive, TCell -Negative, B Cell-Positive, NK Cell-Positive, IL7R-Related. Identifiers: MedGen C5676890, MONDO:0012163, OMIM 608971.

Allele frequency attached by ClinVar (database versions not stated): gnomAD exomes below 0.00001; TOPMed 0.00001.
gnomAD v4.1: 2 of 1,612,998 alleles (0.00012%); highest among the groups gnomAD compares: Admixed American, 0.0033%; no homozygotes.

Submission:

Labcorp Genetics (formerly Invitae), Labcorp
Classification: Uncertain significance for Immunodeficiency 104. Last evaluated: 2023-05-21. Review status: criteria provided, single submitter. Criteria: Invitae Variant Classification Sherloc (09022015). Collection method: clinical testing. Allele origin: germline.
Comment: This sequence change replaces aspartic acid, which is acidic and polar, with histidine, which is basic and polar, at codon 122 of the IL7R protein (p.Asp122His). This variant is present in population databases (no rsID available, gnomAD 0.003%). In summary, the available evidence is currently insufficient to determine the role of this variant in disease. Therefore, it has been classified as a Variant of Uncertain Significance. Advanced modeling of protein sequence and biophysical properties (such as structural, functional, and spatial information, amino acid conservation, physicochemical variation, residue mobility, and thermodynamic stability) performed at Invitae indicates that this missense variant is not expected to disrupt IL7R protein function. This variant has not been reported in the literature in individuals affected with IL7R-related conditions.